The following is an entry in ClinVar:

ClinVar aggregate classification (germline): Uncertain significance (1 of 4 stars; one submission).

Allele frequency attached by ClinVar (database versions not stated): gnomAD 0.00001.
gnomAD v4.1: 1 of 1,606,088 alleles (0.000062%); highest among the groups gnomAD compares: Admixed American, 0.0017%; no homozygotes.

Submission:

GeneDx
Classification: Uncertain significance. Last evaluated: 2019-11-07. Review status: criteria provided, single submitter. Criteria: GeneDx Variant Classification Process June 2021. Collection method: clinical testing. Allele origin: germline. Affected: yes.
Comment: Not observed in large population cohorts (Lek et al., 2016); In silico analysis, which includes protein predictors and evolutionary conservation, supports that this variant does not alter protein structure/function; Has not been previously published as pathogenic or benign to our knowledge

NM_015378.4(VPS13D):c.4480C>G (p.Gln1494Glu)

Gene: VPS13D (vacuolar protein sorting 13 homolog D; plus strand). Cytogenetic location: 1p36.22.
Variant type: single nucleotide variant.
Coding change: c.4480C>G on transcript NM_015378.4 (MANE Select); coding-DNA position 4480, C replaced by G.
Protein change: p.Gln1494Glu; replaces glutamine 1494 with glutamic acid.
Molecular consequence: missense variant.
Genome position (GRCh38, 1-based): chr1:12,279,528, C>G. VCF-style: chr1-12279528-C-G. GRCh37 (hg19) VCF-style: chr1-12339585-C-G.
Other names: c.4480C>G, p.Gln1494Glu (NM_018156.4); short protein forms Q1494E.
Identifiers: ClinVar variation 1304914 (VCV001304914.2), dbSNP rs1641715579, ClinGen allele CA338479571.